The following is an entry in ClinVar:

NM_000038.6(APC):c.6229A>C (p.Thr2077Pro)

Gene: APC (APC regulator of Wnt signaling pathway; plus strand). Cytogenetic location: 5q22.2.
Variant type: single nucleotide variant.
Coding change: c.6229A>C on transcript NM_000038.6 (MANE Select); coding-DNA position 6229, A replaced by C.
Protein change: p.Thr2077Pro; replaces threonine 2077 with proline.
Molecular consequence: missense variant.
Genome position (GRCh38, 1-based): chr5:112,841,823, A>C. VCF-style: chr5-112841823-A-C. GRCh37 (hg19) VCF-style: chr5-112177520-A-C.
Other names: c.6229A>C, p.Thr2077Pro (NM_001127510.3, NM_001354895.2, NM_001407450.1); c.6175A>C, p.Thr2059Pro (NM_001127511.3); c.6283A>C, p.Thr2095Pro (NM_001354896.2, NM_001407447.1, NM_001407448.1 and 1 more transcripts); c.6259A>C, p.Thr2087Pro (NM_001354897.2); c.6154A>C, p.Thr2052Pro (NM_001354898.2); c.6145A>C, p.Thr2049Pro (NM_001354899.2); c.6106A>C, p.Thr2036Pro (NM_001354900.2); c.6052A>C, p.Thr2018Pro (NM_001354901.2, NM_001407453.1); and 12 more; short protein forms T1693P, T1917P, T1948P, T2105P, T2052P, T2067P, T2070P, T1976P.
Identifiers: ClinVar variation 2100798 (VCV002100798.5), dbSNP rs2149960189, ClinGen allele CA16034974.
Genomic context (GRCh38, chr5:112,841,823, plus strand): 5'-AAGGGTGATAATGAAAAACATAGTCCCAGAAATATGGGTGGCATATTAGGTGAAGATCTG[A>C]CACTTGATTTGAAAGATATACAGAGACCAGATTCAGAACATGGTCTATCCCCTGATTCAG-3'
Protein context (NP_000029.2, residues 2067-2087): NMGGILGEDL[Thr2077Pro]LDLKDIQRPD

ClinVar aggregate classification (germline): Uncertain significance. Review status: criteria provided, multiple submitters, no conflicts (2 of 4 stars). 2 submissions from 2 submitters: Uncertain significance (2). Last evaluated 2025-04-11.

Conditions:
Hereditary cancer-predisposing syndrome. Also called: Hereditary Cancer Syndrome; Tumor predisposition; Neoplastic Syndromes, Hereditary; Hereditary neoplastic syndrome. Identifiers: Orphanet 140162, MedGen C0027672, MeSH D009386, MONDO:0015356.
Familial adenomatous polyposis 1 (FAP1). Also called: FAMILIAL ADENOMATOUS POLYPOSIS 1, ATTENUATED; POLYPOSIS, ADENOMATOUS INTESTINAL. Identifiers: MedGen C2713442, MONDO:0021056, OMIM 175100. Disease mechanism: loss of function.

Submissions (2):

Ambry Genetics
Classification: Uncertain significance for Hereditary cancer-predisposing syndrome. Last evaluated: 2025-04-11. Review status: criteria provided, single submitter. Criteria: Ambry Variant Classification Scheme 2023. Collection method: clinical testing. Allele origin: germline.
Comment: The p.T2077P variant (also known as c.6229A>C), located in coding exon 15 of the APC gene, results from an A to C substitution at nucleotide position 6229. The threonine at codon 2077 is replaced by proline, an amino acid with highly similar properties. This amino acid position is conserved. In addition, in silico predictors for this gene do not accurately predict pathogenicity. Based on the available evidence, the clinical significance of this variant remains unclear.

Labcorp Genetics (formerly Invitae), Labcorp
Classification: Uncertain significance for Familial adenomatous polyposis 1. Last evaluated: 2022-03-17. Review status: criteria provided, single submitter. Criteria: Invitae Variant Classification Sherloc (09022015). Collection method: clinical testing. Allele origin: germline.
Comment: In summary, the available evidence is currently insufficient to determine the role of this variant in disease. Therefore, it has been classified as a Variant of Uncertain Significance. Algorithms developed to predict the effect of missense changes on protein structure and function are either unavailable or do not agree on the potential impact of this missense change (SIFT: "Tolerated"; PolyPhen-2: "Probably Damaging"; Align-GVGD: "Class C0"). This variant has not been reported in the literature in individuals affected with APC-related conditions. This variant is not present in population databases (gnomAD no frequency). This sequence change replaces threonine, which is neutral and polar, with proline, which is neutral and non-polar, at codon 2077 of the APC protein (p.Thr2077Pro).